The following is an entry in ClinVar:

NM_007317.3(KIF22):c.12C>T (p.Gly4=)

Gene: KIF22 (kinesin family member 22; plus strand). Cytogenetic location: 16p11.2.
Variant type: single nucleotide variant.
Coding change: c.12C>T on transcript NM_007317.3 (MANE Select); coding-DNA position 12, C replaced by T.
Protein change: p.Gly4=; no amino-acid change (glycine 4 retained).
Molecular consequence: synonymous variant. On other transcripts: 5 prime UTR variant (1).
Genome position (GRCh38, 1-based): chr16:29,790,771, C>T. VCF-style: chr16-29790771-C-T. GRCh37 (hg19) VCF-style: chr16-29802092-C-T.
Other names: c.-242C>T (NM_001256269.2).
Identifiers: ClinVar variation 283595 (VCV000283595.16), dbSNP rs374699250, ClinGen allele CA7992850.
Genomic context (GRCh38, chr16:29,790,771, plus strand): 5'-GGGCACCGGGGAATTCGAATGGGAGAGGCGGGCCCAAGGAGGGAGTGGAATGGCCGCGGG[C>T]GGCTCGACGCAGCAGAGGCGACGCGAGATGGCGGCAGCTTCAGCGGCGGCGATCTCAGGT-3'
Protein context (NP_015556.1, residues 1-14): MAA[Gly4=]GSTQQRRREM

ClinVar aggregate classification (germline): Benign/Likely benign. Review status: criteria provided, multiple submitters, no conflicts (2 of 4 stars). 3 submissions from 3 submitters: Benign (1); Likely benign (2). Last evaluated 2026-02-01.

Conditions:
KIF22-related disorder. Also called: KIF22-related condition.

Allele frequency attached by ClinVar (database versions not stated): gnomAD exomes 0.00010; ESP Exome Variant Server 0.00093; 1000 Genomes Project 30x 0.00094; 1000 Genomes Project 0.00100; gnomAD 0.00125 and 0.00133; TOPMed 0.00147.
gnomAD v4.1: 342 of 1,597,354 alleles (0.021%); highest among the groups gnomAD compares: African/African-American, 0.41%; 2 homozygotes.

Submissions (3):

PreventionGenetics, part of Exact Sciences
Classification: Likely benign for KIF22-related condition. Last evaluated: 2026-02-01. Review status: criteria provided, single submitter. Criteria: ACMG Guidelines, 2015. Collection method: clinical testing. Allele origin: germline.
Comment: This variant is classified as likely benign based on ACMG/AMP sequence variant interpretation guidelines (Richards et al. 2015 PMID: 25741868, with internal and published modifications).

Labcorp Genetics (formerly Invitae), Labcorp
Classification: Benign. Last evaluated: 2026-01-15. Review status: criteria provided, single submitter. Criteria: Invitae Variant Classification Sherloc (09022015). Collection method: clinical testing. Allele origin: germline.

Eurofins Ntd Llc (ga)
Classification: Likely benign. Last evaluated: 2015-10-08. Review status: criteria provided, single submitter. Criteria: EGL Classification Definitions 2015. Collection method: clinical testing. Allele origin: germline. Observed: 1 variant allele, 1 heterozygote.